The following is an entry in ClinVar:

NM_001972.4(ELANE):c.619G>C (p.Val207Leu)

Gene: ELANE (elastase, neutrophil expressed; plus strand). Cytogenetic location: 19p13.3.
Variant type: single nucleotide variant.
Coding change: c.619G>C on transcript NM_001972.4 (MANE Select); coding-DNA position 619, G replaced by C.
Protein change: p.Val207Leu; replaces valine 207 with leucine.
Molecular consequence: missense variant.
Genome position (GRCh38, 1-based): chr19:855,979, G>C. VCF-style: chr19-855979-G-C. GRCh37 (hg19) VCF-style: chr19-855979-G-C.
Other names: c.619G>C (NM_001972.2); short protein forms V207L.
Identifiers: ClinVar variation 1502846 (VCV001502846.11), dbSNP rs2035674003, ClinGen allele CA402918921.

ClinVar aggregate classification (germline): Uncertain significance. Review status: criteria provided, multiple submitters, no conflicts (2 of 4 stars). 4 submissions from 4 submitters: Uncertain significance (4). Last evaluated 2026-01-24.

Conditions:
Inborn genetic diseases. Identifiers: MedGen C0950123, MeSH D030342.
Cyclical neutropenia. Also called: Cyclic hematopoiesis; Cyclic Neutropenia. Identifiers: Orphanet 2686, MedGen C0221023, MONDO:0008090, OMIM 162800, HP:0040289. Disease mechanism: loss of function.
Neutropenia, severe congenital, 1, autosomal dominant. Identifiers: MedGen C1859966, MONDO:0042490, OMIM 202700.

Allele frequency attached by ClinVar (database versions not stated): TOPMed 0.00002.
gnomAD v4.1: 7 of 1,613,346 alleles (0.00043%); highest among the groups gnomAD compares: East Asian, 0.0045%; no homozygotes.

Submissions (4):

Labcorp Genetics (formerly Invitae), Labcorp
Classification: Uncertain significance for Neutropenia, severe congenital, 1, autosomal dominant; Cyclical neutropenia. Last evaluated: 2026-01-24. Review status: criteria provided, single submitter. Criteria: Invitae Variant Classification Sherloc (09022015). Collection method: clinical testing. Allele origin: germline.
Comment: This sequence change replaces valine, which is neutral and non-polar, with leucine, which is neutral and non-polar, at codon 207 of the ELANE protein (p.Val207Leu). This variant is not present in population databases (gnomAD no frequency). This variant has not been reported in the literature in individuals affected with ELANE-related conditions. ClinVar contains an entry for this variant (Variation ID: 1502846). Invitae Evidence Modeling of protein sequence and biophysical properties (such as structural, functional, and spatial information, amino acid conservation, physicochemical variation, residue mobility, and thermodynamic stability) indicates that this missense variant is not expected to disrupt ELANE protein function with a negative predictive value of 95%. In summary, the available evidence is currently insufficient to determine the role of this variant in disease. Therefore, it has been classified as a Variant of Uncertain Significance.

Ambry Genetics
Classification: Uncertain significance for Inborn genetic diseases. Last evaluated: 2024-10-05. Review status: criteria provided, single submitter. Criteria: Ambry Variant Classification Scheme 2023. Collection method: clinical testing. Allele origin: germline.
Comment: The p.V207L variant (also known as c.619G>C), located in coding exon 5 of the ELANE gene, results from a G to C substitution at nucleotide position 619. The valine at codon 207 is replaced by leucine, an amino acid with highly similar properties. This amino acid position is conserved. In addition, the in silico prediction for this alteration is inconclusive. Based on the available evidence, the clinical significance of this variant remains unclear.

Blueprint Genetics
Classification: Uncertain significance. Last evaluated: 2022-11-17. Review status: criteria provided, single submitter. Criteria: ACMG Guidelines, 2015. Collection method: clinical testing. Allele origin: germline.

Fulgent Genetics
Classification: Uncertain significance for Cyclical neutropenia; Neutropenia, severe congenital, 1, autosomal dominant. Last evaluated: 2022-04-22. Review status: criteria provided, single submitter. Criteria: ACMG Guidelines, 2015. Collection method: clinical testing. Allele origin: unknown.